The following is an entry in ClinVar:

NM_006517.5(SLC16A2):c.1247T>A (p.Val416Asp)

Gene: SLC16A2 (solute carrier family 16 member 2; plus strand). Cytogenetic location: Xq13.2.
Variant type: single nucleotide variant.
Coding change: c.1247T>A on transcript NM_006517.5 (MANE Select); coding-DNA position 1247, T replaced by A.
Protein change: p.Val416Asp; replaces valine 416 with aspartic acid.
Molecular consequence: missense variant.
Genome position (GRCh38, 1-based): chrX:74,529,289, T>A. VCF-style: chrX-74529289-T-A. GRCh37 (hg19) VCF-style: chrX-73749124-T-A.
Other names: short protein forms V416D.
Identifiers: ClinVar variation 3796609 (VCV003796609.2).

ClinVar aggregate classification (germline): Uncertain significance (1 of 4 stars; one submission).

Conditions:
Inborn genetic diseases. Identifiers: MedGen C0950123, MeSH D030342.

Submission:

Ambry Genetics
Classification: Uncertain significance for Inborn genetic diseases. Last evaluated: 2025-04-30. Review status: criteria provided, single submitter. Criteria: Ambry Variant Classification Scheme 2023. Collection method: clinical testing. Allele origin: germline.
Comment: The c.1469T>A (p.V490D) alteration is located in exon 5 (coding exon 5) of the SLC16A2 gene. This alteration results from a T to A substitution at nucleotide position 1469, causing the valine (V) at amino acid position 490 to be replaced by an aspartic acid (D). This variant was not reported in population-based cohorts in the Genome Aggregation Database (gnomAD). Other variant(s) at the same codon, c.1468G>T (p.V490F), have been identified in individual(s) with intellectual disability (Hu, 2016). This amino acid position is well conserved in available vertebrate species. This alteration is predicted to be deleterious by in silico analysis. Based on insufficient or conflicting evidence, the clinical significance of this alteration remains unclear.

Literature cited by the submitters: PubMed 25644381.